The following is an entry in ClinVar:

ClinVar aggregate classification (germline): Uncertain significance (1 of 4 stars; one submission).

Conditions:
Emery-Dreifuss muscular dystrophy 4, autosomal dominant (EDMD4). Also called: EMERY-DREIFUSS MUSCULAR DYSTROPHY 4 WITH VARIABLE FEATURES. Identifiers: Orphanet 261, MedGen C2751807, MONDO:0013071, OMIM 612998.
Autosomal recessive ataxia, Beauce type. Also called: Spinocerebellar ataxia, autosomal recessive 8; ATAXIA, RECESSIVE, OF BEAUCE; SYNE1 Deficiency; SYNE1-Related Autosomal Recessive Cerebellar Ataxia. Identifiers: Orphanet 88644, MedGen C1853116, MONDO:0012549, OMIM 610743.

gnomAD v4.1: 22 of 1,613,754 alleles (0.0014%); highest among the groups gnomAD compares: South Asian, 0.014%; no homozygotes.

Submission:

Labcorp Genetics (formerly Invitae), Labcorp
Classification: Uncertain significance for Emery-Dreifuss muscular dystrophy 4, autosomal dominant; Autosomal recessive ataxia, Beauce type. Last evaluated: 2024-04-05. Review status: criteria provided, single submitter. Criteria: Invitae Variant Classification Sherloc (09022015). Collection method: clinical testing. Allele origin: germline.
Comment: This sequence change replaces alanine, which is neutral and non-polar, with valine, which is neutral and non-polar, at codon 794 of the SYNE1 protein (p.Ala794Val). This variant is present in population databases (rs147406318, gnomAD 0.02%). This variant has not been reported in the literature in individuals affected with SYNE1-related conditions. ClinVar contains an entry for this variant (Variation ID: 1417453). An algorithm developed to predict the effect of missense changes on protein structure and function (PolyPhen-2) suggests that this variant is likely to be tolerated. In summary, the available evidence is currently insufficient to determine the role of this variant in disease. Therefore, it has been classified as a Variant of Uncertain Significance.

NM_182961.4(SYNE1):c.2360C>T (p.Ala787Val)

Gene: SYNE1 (spectrin repeat containing nuclear envelope protein 1; minus strand). Cytogenetic location: 6q25.2.
Variant type: single nucleotide variant.
Coding change: c.2360C>T on transcript NM_182961.4 (MANE Select); coding-DNA position 2360, C replaced by T.
Protein change: p.Ala787Val; replaces alanine 787 with valine.
Molecular consequence: missense variant.
Genome position (GRCh38, 1-based): chr6:152,461,631, G>A on the plus strand (C>T on the coding strand, the complement: SYNE1 is on the minus strand). VCF-style: chr6-152461631-G-A. GRCh37 (hg19) VCF-style: chr6-152782766-G-A.
Other names: c.2381C>T, p.Ala794Val (NM_033071.5); short protein forms A794V, A787V.
Identifiers: ClinVar variation 1417453 (VCV001417453.6), dbSNP rs147406318, ClinGen allele CA4059164.